The following is an entry in ClinVar:

NM_206933.4(USH2A):c.2215T>C (p.Phe739Leu)

Gene: USH2A (usherin; minus strand). Cytogenetic location: 1q41.
Variant type: single nucleotide variant.
Coding change: c.2215T>C on transcript NM_206933.4 (MANE Select); coding-DNA position 2215, T replaced by C.
Protein change: p.Phe739Leu; replaces phenylalanine 739 with leucine.
Molecular consequence: missense variant.
Genome position (GRCh38, 1-based): chr1:216,247,179, A>G on the plus strand (T>C on the coding strand, the complement: USH2A is on the minus strand). VCF-style: chr1-216247179-A-G. GRCh37 (hg19) VCF-style: chr1-216420521-A-G.
Other names: c.2215T>C, p.Phe739Leu (NM_007123.6); short protein forms F739L.
Identifiers: ClinVar variation 4537473 (VCV004537473.1).

ClinVar aggregate classification (germline): Uncertain significance (1 of 4 stars; one submission).

Conditions:
Retinitis pigmentosa 39 (RP39). Identifiers: Orphanet 791, MedGen C3151138, MONDO:0013436, OMIM 613809.

gnomAD v4.1: 2 of 1,614,086 alleles (0.00012%); highest among the groups gnomAD compares: Middle Eastern, 0.033%; no homozygotes.

Submission:

Research Institute for Ophthalmology and Vision Science, Shahid Beheshti University of Medical Sciences
Classification: Uncertain significance for Retinitis pigmentosa 39. Last evaluated: 2025-12-13. Review status: criteria provided, single submitter. Criteria: ACMG Guidelines, 2015. Collection method: research. Allele origin: inherited. Inheritance: Autosomal recessive inheritance. Affected: yes.
Comment: This variant has a low frequency in gnomAD databases. It is located in a mutational hot spot exon, and prediction tools classify it as a benign variant.